The following is an entry in ClinVar:

NM_000016.6(ACADM):c.388-3T>G

Gene: ACADM (acyl-CoA dehydrogenase medium chain; plus strand). Cytogenetic location: 1p31.1.
Variant type: single nucleotide variant.
Coding change: c.388-3T>G on transcript NM_000016.6 (MANE Select); 3 bases into the intron before coding-DNA position 388, T replaced by G.
Molecular consequence: intron variant.
Genome position (GRCh38, 1-based): chr1:75,734,788, T>G. VCF-style: chr1-75734788-T-G. GRCh37 (hg19) VCF-style: chr1-76200473-T-G.
Other names: c.400-3T>G (NM_001127328.3); c.487-3T>G (NM_001286043.2); c.280-3T>G (NM_001286042.2); c.-100+1866T>G (NM_001286044.2).
Identifiers: ClinVar variation 226079 (VCV000226079.26), dbSNP rs764942250, ClinGen allele CA913092.

ClinVar aggregate classification (germline): Conflicting classifications of pathogenicity. Review status: criteria provided, conflicting classifications (1 of 4 stars). 8 submissions from 8 submitters: Pathogenic (2); Likely pathogenic (3); Uncertain significance (1). 2 of the submissions do not count toward it. Last evaluated 2026-01-26.

Conditions:
Medium-chain acyl-coenzyme A dehydrogenase deficiency (ACADMD). Also called: MCAD Deficiency; ACADM DEFICIENCY; MCADD; Medium chain acyl-CoA dehydrogenase deficiency; CARNITINE DEFICIENCY SECONDARY TO MEDIUM-CHAIN ACYL-CoA DEHYDROGENASE DEFICIENCY; MCADH DEFICIENCY. Identifiers: Orphanet 42, MedGen C0220710, MONDO:0008721, OMIM 201450.
ACADM-related disorder. Also called: ACADM-related condition.

Allele frequency attached by ClinVar (database versions not stated): gnomAD exomes 0.00001 and 0.00004; TOPMed 0.00001; ExAC 0.00004.

Submissions (8):

Labcorp Genetics (formerly Invitae), Labcorp
Classification: Pathogenic for Medium-chain acyl-coenzyme A dehydrogenase deficiency. Last evaluated: 2026-01-26. Review status: criteria provided, single submitter. Criteria: Invitae Variant Classification Sherloc (09022015). Collection method: clinical testing. Allele origin: germline.
Comment: This sequence change falls in intron 5 of the ACADM gene. It does not directly change the encoded amino acid sequence of the ACADM protein. It affects a nucleotide within the consensus splice site. This variant is present in population databases (rs764942250, gnomAD 0.02%). This variant has been observed in individual(s) with medium-chain acyl-coenzyme A dehydrogenase deficiency (PMID: 20434380). In at least one individual the data is consistent with being in trans (on the opposite chromosome) from a pathogenic variant. It has also been observed to segregate with disease in related individuals. ClinVar contains an entry for this variant (Variation ID: 226079). Variants that disrupt the consensus splice site are a relatively common cause of aberrant splicing (PMID: 17576681, 9536098). Algorithms developed to predict the effect of sequence changes on RNA splicing suggest that this variant may disrupt the consensus splice site. For these reasons, this variant has been classified as Pathogenic.

Natera, Inc.
Classification: Likely pathogenic for Medium Chain Acyl-CoA Dehydrogenase Deficiency. Last evaluated: 2025-11-13. Review status: criteria provided, single submitter. Criteria: Natera Variant Classification Schema (03/2026). Collection method: clinical testing. Allele origin: germline.
Comment: The c.388-3T>G variant in ACADM is an intronic variant located outside the canonical splice sites. This variant is rare in the general population with a frequency below the threshold expected for the associated phenotype(s). This variant has been observed in one or more individuals affected with the associated recessive disease, as either homozygous or compound heterozygous with a second variant (PMID: 40660651). This variant has been identified in one or more affected individual with a phenotype highly consistent with the associated gene (PMID: 40660651). Computational prediction algorithms indicate this variant is likely to affect gene or protein function. Given the available evidence, this variant is classified as Likely Pathogenic.

Fulgent Genetics
Classification: Likely pathogenic for Medium-chain acyl-coenzyme A dehydrogenase deficiency. Last evaluated: 2024-03-02. Review status: criteria provided, single submitter. Criteria: ACMG Guidelines, 2015. Collection method: clinical testing. Allele origin: germline.

Baylor Genetics
Classification: Pathogenic for Medium-chain acyl-coenzyme A dehydrogenase deficiency. Last evaluated: 2023-12-28. Review status: criteria provided, single submitter. Criteria: ACMG Guidelines, 2015. Collection method: clinical testing. Allele origin: unknown.

Quest Diagnostics Nichols Institute San Juan Capistrano
Classification: Likely pathogenic. Last evaluated: 2020-09-17. Review status: criteria provided, single submitter. Criteria: Quest Diagnostics criteria. Collection method: clinical testing. Allele origin: unknown.
Comment: The frequency of this variant in the general population is consistent with pathogenicity. In multiple individuals, this variant has been seen with a single recessive pathogenic variant in the same gene, suggesting this variant may also be pathogenic. Assessment of experimental evidence suggests this variant results in abnormal protein function.

ARUP Laboratories, Molecular Genetics and Genomics, ARUP Laboratories
Classification: Uncertain significance for Medium-chain acyl-coenzyme A dehydrogenase deficiency. Last evaluated: 2015-02-20. Review status: criteria provided, single submitter. Criteria: ACMG Guidelines, 2015. Collection method: clinical testing. Allele origin: germline. Inheritance: Autosomal recessive inheritance. Observed: 1 heterozygote.

PreventionGenetics, part of Exact Sciences
Classification: Uncertain significance for ACADM-related condition. Last evaluated: 2024-02-13. Review status: no assertion criteria provided. Collection method: clinical testing. Allele origin: germline. Not counted in ClinVar's aggregate classification.
Comment: The ACADM c.388-3T>G variant is predicted to interfere with splicing. This variant was reported in the compound heterozygous state in patient with high levels of hexanoylglycine (C6) suggestive of MCAD deficiency. However, clinical information as well as levels for C8 and C10 organic acids were not provided (Smith et al. 2010. PubMed ID: 20434380). This variant is reported in 0.020% of alleles in individuals of Latino descent in gnomAD. This variant is predicted to affect splicing. At this time, the clinical significance of this variant is uncertain due to the absence of conclusive functional and genetic evidence.

Counsyl
Classification: Uncertain significance for Medium-chain acyl-coenzyme A dehydrogenase deficiency. Last evaluated: 2018-04-27. Review status: no assertion criteria provided. Collection method: clinical testing. Allele origin: unknown. Not counted in ClinVar's aggregate classification.

Literature cited by the submitters: PubMed 20434380 (cited by 3 submitters); PubMed 17576681 (cited by Labcorp Genetics (formerly Invitae), Labcorp); PubMed 9536098 (cited by Labcorp Genetics (formerly Invitae), Labcorp); PubMed 40660651 (cited by Natera, Inc.).